The following is an entry in ClinVar:

ClinVar aggregate classification (germline): Uncertain significance (1 of 4 stars; one submission).

Conditions:
Mendelian susceptibility to mycobacterial diseases due to partial STAT1 deficiency. Also called: Immunodeficiency 31a; IMMUNODEFICIENCY 31A, MYCOBACTERIOSIS, AUTOSOMAL DOMINANT; STAT1 DEFICIENCY, AUTOSOMAL DOMINANT. Identifiers: Orphanet 319595, MedGen C4013950, MONDO:0013956, OMIM 614892.
Immunodeficiency 31B. Also called: STAT1 DEFICIENCY, AUTOSOMAL RECESSIVE; IMMUNODEFICIENCY 31B, MYCOBACTERIAL AND VIRAL INFECTIONS, AUTOSOMAL RECESSIVE. Identifiers: Orphanet 391311, MedGen C3151088, MONDO:0013427, OMIM 613796.
Autoimmune enteropathy and endocrinopathy - susceptibility to chronic infections syndrome. Also called: Immunodeficiency 31C; Immunodeficiency 31C, autosomal dominant. Identifiers: Orphanet 391487, MedGen C3279990, MONDO:0013599, OMIM 614162.

Submission:

Labcorp Genetics (formerly Invitae), Labcorp
Classification: Uncertain significance for Immunodeficiency 31a; Mycobacterial and viral infections, susceptibility to, autosomal recessive; Immunodeficiency 31C. Last evaluated: 2019-03-18. Review status: criteria provided, single submitter. Criteria: Invitae Variant Classification Sherloc (09022015). Collection method: clinical testing. Allele origin: germline.
Comment: This sequence change replaces leucine with phenylalanine at codon 351 of the STAT1 protein (p.Leu351Phe). The leucine residue is highly conserved and there is a small physicochemical difference between leucine and phenylalanine. This variant is not present in population databases (ExAC no frequency). This variant has been observed in individuals affected with chronic mucocutaneous candidiasis (PMID: 26732859, 27114460). This variant has been reported to affect STAT1 protein function (PMID: 26732859). In summary, the available evidence is currently insufficient to determine the role of this variant in disease. Therefore, it has been classified as a Variant of Uncertain Significance.

Literature cited by the submitters: PubMed 26732859; PubMed 27114460.

NM_007315.4(STAT1):c.1053G>C (p.Leu351Phe)

Gene: STAT1 (signal transducer and activator of transcription 1; minus strand). Cytogenetic location: 2q32.2.
Variant type: single nucleotide variant.
Coding change: c.1053G>C on transcript NM_007315.4 (MANE Select); coding-DNA position 1053, G replaced by C.
Protein change: p.Leu351Phe; replaces leucine 351 with phenylalanine.
Molecular consequence: missense variant. On other transcripts: intron variant (1).
Genome position (GRCh38, 1-based): chr2:190,989,659, C>G on the plus strand (G>C on the coding strand, the complement: STAT1 is on the minus strand). VCF-style: chr2-190989659-C-G. GRCh37 (hg19) VCF-style: chr2-191854385-C-G.
Other names: c.1059G>C, p.Leu353Phe (NM_001384881.1, NM_001384884.1); c.1053G>C, p.Leu351Phe (NM_001384882.1, NM_001384886.1, NM_001384888.1 and 2 more transcripts); c.954G>C, p.Leu318Phe (NM_001384883.1); c.894G>C, p.Leu298Phe (NM_001384885.1); c.960G>C, p.Leu320Phe (NM_001384887.1); c.963G>C, p.Leu321Phe (NM_001384890.1); c.1089G>C, p.Leu363Phe (NM_001384891.1); c.1037+1569G>C (NM_001384880.1); short protein forms L351F, L298F, L318F, L320F, L321F, L353F, L363F.
Identifiers: ClinVar variation 840620 (VCV000840620.1), dbSNP rs1064794955, ClinGen allele CA349920026.